The following is an entry in ClinVar:

NM_000088.4(COL1A1):c.2830-43C>T

Gene: COL1A1 (collagen type I alpha 1 chain; minus strand). Cytogenetic location: 17q21.33.
Variant type: single nucleotide variant.
Coding change: c.2830-43C>T on transcript NM_000088.4 (MANE Select); 43 bases into the intron before coding-DNA position 2830, C replaced by T.
Molecular consequence: intron variant.
Genome position (GRCh38, 1-based): chr17:50,189,318, G>A on the plus strand (C>T on the coding strand, the complement: COL1A1 is on the minus strand). VCF-style: chr17-50189318-G-A. GRCh37 (hg19) VCF-style: chr17-48266679-G-A.
Identifiers: ClinVar variation 674284 (VCV000674284.1), dbSNP rs192268642, ClinGen allele CA8644661.

ClinVar aggregate classification (germline): Likely benign (1 of 4 stars; one submission).

Allele frequency attached by ClinVar (database versions not stated): ESP Exome Variant Server 0.00015; TOPMed 0.00020; 1000 Genomes Project 30x 0.00031; 1000 Genomes Project 0.00040; gnomAD exomes 0.00056 and 0.00139; ExAC 0.00102; gnomAD 0.00107 and 0.00101.
gnomAD v4.1: 973 of 1,613,738 alleles (0.06%); highest among the groups gnomAD compares: Middle Eastern, 0.033%; 8 homozygotes.

Submission:

GeneDx
Classification: Likely benign. Last evaluated: 2018-06-19. Review status: criteria provided, single submitter. Criteria: GeneDx Variant Classification (06012015). Collection method: clinical testing. Allele origin: germline. Affected: yes.
Comment: This variant is considered likely benign or benign based on one or more of the following criteria: it is a conservative change, it occurs at a poorly conserved position in the protein, it is predicted to be benign by multiple in silico algorithms, and/or has population frequency not consistent with disease.